The following is an entry in ClinVar:

ClinVar aggregate classification (germline): Uncertain significance. Review status: criteria provided, multiple submitters, no conflicts (2 of 4 stars). 2 submissions from 2 submitters: Uncertain significance (2). Last evaluated 2025-05-21.

Conditions:
SCAPER-related disorder. Also called: SCAPER-related condition.

gnomAD v4.1: 21 of 1,613,492 alleles (0.0013%); highest among the groups gnomAD compares: East Asian, 0.0067%; no homozygotes.

Submissions (2):

PreventionGenetics, part of Exact Sciences
Classification: Uncertain significance for SCAPER-related condition. Last evaluated: 2025-05-21. Review status: criteria provided, single submitter. Criteria: ACMG Guidelines, 2015. Collection method: clinical testing. Allele origin: germline.
Comment: The SCAPER c.3161G>T variant is predicted to result in the amino acid substitution p.Gly1054Val. To our knowledge, this variant has not been reported in the literature. This variant is reported in 0.0051% of alleles in individuals of East Asian descent in gnomAD. At this time, the clinical significance of this variant is uncertain due to the absence of conclusive functional and genetic evidence.

Blueprint Genetics
Classification: Uncertain significance. Last evaluated: 2022-10-18. Review status: criteria provided, single submitter. Criteria: ACMG Guidelines, 2015. Collection method: clinical testing. Allele origin: germline.

NM_020843.4(SCAPER):c.3143G>T (p.Gly1048Val)

Genes: SCAPER (S-phase cyclin A associated protein in the ER; minus strand), LOC126862183 (BRD4-independent group 4 enhancer GRCh37_chr15:76726060-76727259; plus strand). Cytogenetic location: 15q24.3.
Variant type: single nucleotide variant.
Coding change: c.3143G>T on transcript NM_020843.4 (MANE Select); coding-DNA position 3143, G replaced by T.
Protein change: p.Gly1048Val; replaces glycine 1048 with valine.
Molecular consequence: missense variant. On other transcripts: non-coding transcript variant (1).
Genome position (GRCh38, 1-based): chr15:76,434,246, C>A on the plus strand (G>T on the coding strand, the complement: SCAPER is on the minus strand). VCF-style: chr15-76434246-C-A. GRCh37 (hg19) VCF-style: chr15-76726587-C-A.
Other names: c.2405G>T, p.Gly802Val (NM_001145923.2); c.3161G>T, p.Gly1054Val (NM_001353009.2); c.2741G>T, p.Gly914Val (NM_001353010.2, NM_001353012.2); c.2759G>T, p.Gly920Val (NM_001353011.2); short protein forms G1048V, G1054V, G802V, G914V, G920V.
Identifiers: ClinVar variation 3354726 (VCV003354726.3).